The following is an entry in ClinVar:

ClinVar aggregate classification (germline): Conflicting classifications of pathogenicity. Review status: criteria provided, conflicting classifications (1 of 4 stars). 2 submissions from 2 submitters: Uncertain significance (1); Likely benign (1). Last evaluated 2025-11-05.

Conditions:
Hereditary cancer-predisposing syndrome. Also called: Neoplastic Syndromes, Hereditary; Hereditary Cancer Syndrome; Tumor predisposition; Hereditary neoplastic syndrome. Identifiers: Orphanet 140162, MedGen C0027672, MeSH D009386, MONDO:0015356.

Allele frequency attached by ClinVar (database versions not stated): gnomAD 0.00001; gnomAD exomes 0.00001; TOPMed 0.00001; ExAC 0.00009.
gnomAD v4.1: 18 of 1,503,174 alleles (0.0012%); highest among the groups gnomAD compares: South Asian, 0.0074%; no homozygotes.

Submissions (2):

Labcorp Genetics (formerly Invitae), Labcorp
Classification: Uncertain significance. Last evaluated: 2025-11-05. Review status: criteria provided, single submitter. Criteria: Invitae Variant Classification Sherloc (09022015). Collection method: clinical testing. Allele origin: germline.
Comment: This sequence change replaces proline, which is neutral and non-polar, with serine, which is neutral and polar, at codon 13 of the POLE protein (p.Pro13Ser). The frequency data for this variant in the population databases is considered unreliable, as metrics indicate poor data quality at this position in the gnomAD database. This variant has not been reported in the literature in individuals affected with POLE-related conditions. ClinVar contains an entry for this variant (Variation ID: 945655). An algorithm developed to predict the effect of missense changes on protein structure and function (PolyPhen-2) suggests that this variant is likely to be tolerated. In summary, the available evidence is currently insufficient to determine the role of this variant in disease. Therefore, it has been classified as a Variant of Uncertain Significance.

Ambry Genetics
Classification: Likely benign for Hereditary cancer-predisposing syndrome. Last evaluated: 2025-03-27. Review status: criteria provided, single submitter. Criteria: Ambry Variant Classification Scheme 2023. Collection method: clinical testing. Allele origin: germline.

NM_006231.4(POLE):c.37C>T (p.Pro13Ser)

Genes: POLE (DNA polymerase epsilon, catalytic subunit; minus strand), LOC130009266 (ATAC-STARR-seq lymphoblastoid silent region 5123; plus strand). Cytogenetic location: 12q24.33.
Variant type: single nucleotide variant.
Coding change: c.37C>T on transcript NM_006231.4 (MANE Select); coding-DNA position 37, C replaced by T.
Protein change: p.Pro13Ser; replaces proline 13 with serine.
Molecular consequence: missense variant.
Genome position (GRCh38, 1-based): chr12:132,687,279, G>A on the plus strand (C>T on the coding strand, the complement: POLE is on the minus strand). VCF-style: chr12-132687279-G-A. GRCh37 (hg19) VCF-style: chr12-133263865-G-A.
Other names: c.37C>T (NM_006231.2); short protein forms P13S.
Identifiers: ClinVar variation 945655 (VCV000945655.11), dbSNP rs747831153, ClinGen allele CA6894470.